The following is an entry in ClinVar:

NC_000010.11:g.43077015GCCCC[4]

Genes: RET (ret proto-oncogene; plus strand), LOC106736614 (RET 5' regulatory region; plus strand). Cytogenetic location: 10q11.21.
Variant type: Microsatellite.
Genome position: GRCh38 VCF-style: chr10-43077010-C-CCCCCG. GRCh37 (hg19) VCF-style: chr10-43572458-C-CCCCCG.
Identifiers: ClinVar variation 36721 (VCV000036721.4), dbSNP rs386134265, ClinGen allele CA260522.

ClinVar aggregate classification (germline): Uncertain significance (1 of 4 stars; one submission).

Conditions:
Multiple endocrine neoplasia type 2A. Also called: Multiple Endocrine Neoplasia Type 2A (MEN2A); MULTIPLE ENDOCRINE NEOPLASIA, TYPE IIA; PTC SYNDROME; SIPPLE SYNDROME; MEN 2A; MEN-2A syndrome. Identifiers: Orphanet 247698, Orphanet 653, MedGen C0025268, MeSH D018813, MONDO:0008234, OMIM 171400.

Submission:

Women's Health and Genetics/Laboratory Corporation of America, LabCorp
Classification: Uncertain significance for Multiple Endocrine Neoplasia Type 2. Last evaluated: 2011-08-18. Review status: criteria provided, single submitter. Criteria: LabCorp Variant Classification Summary - May 2015. Collection method: curation, clinical testing. Allele origin: germline. Inheritance: autosomal unknown. Affected: yes.
ClinVar note: Converted during submission from uncertain to Uncertain significance.